The following is an entry in ClinVar:

ClinVar aggregate classification (germline): Uncertain significance (1 of 4 stars; one submission).

Conditions:
Cardiovascular phenotype. Identifiers: MedGen CN230736.

gnomAD v4.1: 6 of 1,613,730 alleles (0.00037%); highest among the groups gnomAD compares: Middle Eastern, 0.083%; no homozygotes.

Submission:

Ambry Genetics
Classification: Uncertain significance for Cardiovascular phenotype. Last evaluated: 2026-05-07. Review status: criteria provided, single submitter. Criteria: Ambry Variant Classification Scheme 2023. Collection method: clinical testing. Allele origin: germline.
Comment: The p.Q100H variant (also known as c.300A>T), located in coding exon 3 of the PRDM5 gene, results from an A to T substitution at nucleotide position 300. The amino acid change results in glutamine to histidine at codon 100, an amino acid with highly similar properties. However, this change occurs in the last base pair of coding exon 3, which makes it likely to have some effect on normal mRNA splicing. This amino acid position is highly conserved in available vertebrate species. In addition, the in silico prediction for this alteration is inconclusive. Based on the available evidence, the clinical significance of this variant remains unclear.

NM_018699.4(PRDM5):c.300A>T (p.Gln100His)

Gene: PRDM5 (PR/SET domain 5; minus strand). Cytogenetic location: 4q27.
Variant type: single nucleotide variant.
Coding change: c.300A>T on transcript NM_018699.4 (MANE Select); coding-DNA position 300, A replaced by T.
Protein change: p.Gln100His; replaces glutamine 100 with histidine.
Molecular consequence: missense variant.
Genome position (GRCh38, 1-based): chr4:120,853,418, T>A on the plus strand (A>T on the coding strand, the complement: PRDM5 is on the minus strand). VCF-style: chr4-120853418-T-A. GRCh37 (hg19) VCF-style: chr4-121774573-T-A.
Other names: c.300A>T, p.Gln100His (NM_001300823.2, NM_001300824.2, NM_001379104.1 and 1 more transcripts); short protein forms Q100H.
Identifiers: ClinVar variation 4862486 (VCV004862486.1).